The following is an entry in ClinVar:

NM_000212.3(ITGB3):c.40G>A (p.Val14Met)

Gene: ITGB3 (integrin subunit beta 3; plus strand). Cytogenetic location: 17q21.32.
Variant type: single nucleotide variant.
Coding change: c.40G>A on transcript NM_000212.3 (MANE Select); coding-DNA position 40, G replaced by A.
Protein change: p.Val14Met; replaces valine 14 with methionine.
Molecular consequence: missense variant.
Genome position (GRCh38, 1-based): chr17:47,253,901, G>A. VCF-style: chr17-47253901-G-A. GRCh37 (hg19) VCF-style: chr17-45331267-G-A.
Other names: c.40G>A (NM_000212.2); short protein forms V14M.
Identifiers: ClinVar variation 235258 (VCV000235258.20), dbSNP rs115600591, ClinGen allele CA8622831.
Genomic context (GRCh38, chr17:47,253,901, plus strand): 5'-GCGCCGCGGGAGGCGGACGAGATGCGAGCGCGGCCGCGGCCCCGGCCGCTCTGGGCGACT[G>A]TGCTGGCGCTGGGGGCGCTGGCGGGCGTTGGCGTAGGAGGTGAGTGAGGCTCCGGCTCGG-3'
Protein context (NP_000203.2, residues 4-24): RPRPRPLWAT[Val14Met]LALGALAGVG

ClinVar aggregate classification (germline): Benign. Review status: reviewed by expert panel (3 of 4 stars). 6 submissions from 6 submitters: Benign (1). 5 of the submissions do not count toward it. Last evaluated 2020-06-04.

Conditions:
Glanzmann thrombasthenia. Also called: BLEEDING DISORDER, PLATELET-TYPE, 2; THROMBASTHENIA OF GLANZMANN AND NAEGELI; Thrombasthenia; Glanzmann's thrombasthenia; PLATELET GLYCOPROTEIN IIb-IIIa DEFICIENCY. Identifiers: Orphanet 849, MedGen C0040015, MONDO:0100326.

Allele frequency attached by ClinVar (database versions not stated): gnomAD exomes 0.00084; ExAC 0.00571; ESP Exome Variant Server 0.00697; gnomAD 0.01040 and 0.01103; TOPMed 0.01175; 1000 Genomes Project 30x 0.01312; 1000 Genomes Project 0.01358.
gnomAD v4.1: 2,806 of 1,394,354 alleles (0.2%); highest among the groups gnomAD compares: African/African-American, 3.7%; 51 homozygotes.

Submissions (6):

ClinGen Platelet Disorders Variant Curation Expert Panel, ClinGen
Classification: Benign for Glanzmann thrombasthenia. Last evaluated: 2020-06-04. Review status: reviewed by expert panel. Criteria: ClinGen Platelet ACMG Specifications v2. Collection method: curation. Allele origin: germline. Inheritance: Autosomal recessive inheritance.
Comment: The c.40G>A; p.Val14Met missense variant has not been reported in the literature to our knowledge. It is present in an African population at an allele frequency of 0.03606. Computational evidence suggests no impact on the gene or gene product with a REVEL score of 0.115. In summary, this variant meets criteria to be classified as benign for GT. GT-specific criteria applied: BA1 and BP4.

Labcorp Genetics (formerly Invitae), Labcorp
Classification: Benign. Last evaluated: 2026-02-01. Review status: criteria provided, single submitter. Criteria: Invitae Variant Classification Sherloc (09022015). Collection method: clinical testing. Allele origin: germline. Not counted in ClinVar's aggregate classification.

Mayo Clinic Laboratories, Mayo Clinic
Classification: Benign. Last evaluated: 2024-06-11. Review status: criteria provided, single submitter. Criteria: ACMG Guidelines, 2015. Collection method: clinical testing. Allele origin: germline. Observed: 3 variant alleles. Not counted in ClinVar's aggregate classification.
Comment: BA1, BP4, BP6

Illumina Laboratory Services, Illumina
Classification: Benign for Glanzmann thrombasthenia 1. Last evaluated: 2018-01-12. Review status: criteria provided, single submitter. Criteria: ICSL Variant Classification Criteria 13 December 2019. Collection method: clinical testing. Allele origin: germline. Not counted in ClinVar's aggregate classification.
Comment: This variant was observed in the ICSL laboratory as part of a predisposition screen in an ostensibly healthy population. It had not been previously curated by ICSL or reported in the Human Gene Mutation Database (HGMD: prior to June 1st, 2018), and was therefore a candidate for classification through an automated scoring system. Utilizing variant allele frequency, disease prevalence and penetrance estimates, and inheritance mode, an automated score was calculated to assess if this variant is too frequent to cause the disease. Based on the score and internal cut-off values, a variant classified as benign is not then subjected to further curation. The score for this variant resulted in a classification of benign for this disease.

Center for Pediatric Genomic Medicine, Children's Mercy Hospital and Clinics
Classification: Likely benign. Last evaluated: 2015-08-25. Review status: criteria provided, single submitter. Criteria: ACMG Guidelines, 2015. Collection method: clinical testing. Allele origin: germline. Not counted in ClinVar's aggregate classification.
ClinVar note: Converted during submission from Likely Benign to Likely benign.

Breakthrough Genomics
Classification: Benign. Review status: criteria provided, single submitter. Criteria: ACMG Guidelines, 2015. Collection method: not provided. Allele origin: germline. Inheritance: Autosomal recessive inheritance. Affected: yes. Not counted in ClinVar's aggregate classification.